The following is an entry in ClinVar:

ClinVar aggregate classification (germline): Uncertain significance (1 of 4 stars; one submission).

Conditions:
Renal cell carcinoma. Identifiers: Orphanet 217071, MedGen C0007134, MeSH D002292, MONDO:0005086, HP:0005584.

Submission:

Labcorp Genetics (formerly Invitae), Labcorp
Classification: Uncertain significance for Renal cell carcinoma. Last evaluated: 2022-04-09. Review status: criteria provided, single submitter. Criteria: Invitae Variant Classification Sherloc (09022015). Collection method: clinical testing. Allele origin: germline.
Comment: This sequence change replaces alanine, which is neutral and non-polar, with isoleucine, which is neutral and non-polar, at codon 1239 of the MET protein (p.Ala1239Ile). Information on the frequency of this variant in the gnomAD database is not available, as this variant may be reported differently in the database. This variant has not been reported in the literature in individuals affected with MET-related conditions. Algorithms developed to predict the effect of missense changes on protein structure and function are either unavailable or do not agree on the potential impact of this missense change (SIFT: "Not Available"; PolyPhen-2: "Probably Damaging"; Align-GVGD: "Not Available"). In summary, the available evidence is currently insufficient to determine the role of this variant in disease. Therefore, it has been classified as a Variant of Uncertain Significance.

NM_000245.4(MET):c.3661_3662delinsAT (p.Ala1221Ile)

Gene: MET (MET proto-oncogene, receptor tyrosine kinase; plus strand). Cytogenetic location: 7q31.2.
Variant type: Indel.
Coding change: c.3661_3662delinsAT on transcript NM_000245.4 (MANE Select); coding-DNA positions 3661 to 3662, GC replaced by AT.
Protein change: p.Ala1221Ile; replaces alanine 1221 with isoleucine.
Molecular consequence: missense variant.
Genome position (GRCh38, 1-based): chr7:116,783,332-116,783,333, GC replaced by AT. VCF-style: chr7-116783332-GC-AT. GRCh37 (hg19) VCF-style: chr7-116423386-GC-AT.
Other names: c.3715_3716delinsAT, p.Ala1239Ile (NM_001127500.3); c.2371_2372delinsAT, p.Ala791Ile (NM_001324402.2); short protein forms A1221I, A791I, A1239I.
Identifiers: ClinVar variation 2123743 (VCV002123743.4), dbSNP rs2485835500, ClinGen allele CA2580076299.
Genomic context (GRCh38, chr7:116,783,332, plus strand): 5'-GCCACGGGTAATAATTTTTGTCCTTTCTGTAGGCTGGATGAAAAATTCACAGTCAAGGTT[GC>AT]TGATTTTGGTCTTGCCAGAGACATGTATGATAAAGAATACTATAGTGTACACAACAAAAC-3'
Protein context (NP_000236.2, residues 1211-1231): MLDEKFTVKV[Ala1221Ile]DFGLARDMYD